The following is an entry in ClinVar:

ClinVar aggregate classification (germline): Pathogenic (1 of 4 stars; one submission).

Conditions:
Primary ciliary dyskinesia. Also called: Ciliary dyskinesia. Identifiers: Orphanet 244, MedGen C0008780, MONDO:0016575, HP:0012265.

Allele frequency attached by ClinVar (database versions not stated): TOPMed below 0.00001; gnomAD exomes 0.00001; ExAC 0.00002.

Submission:

Labcorp Genetics (formerly Invitae), Labcorp
Classification: Pathogenic for Primary ciliary dyskinesia. Last evaluated: 2023-10-13. Review status: criteria provided, single submitter. Criteria: Invitae Variant Classification Sherloc (09022015). Collection method: clinical testing. Allele origin: germline.
Comment: This sequence change creates a premature translational stop signal (p.Lys3697Phefs*14) in the DNAH8 gene. It is expected to result in an absent or disrupted protein product. Loss-of-function variants in DNAH8 are known to be pathogenic (PMID: 24307375, 32619401, 32681648). This variant is present in population databases (rs765386646, gnomAD 0.006%). This variant has not been reported in the literature in individuals affected with DNAH8-related conditions. ClinVar contains an entry for this variant (Variation ID: 1073246). Algorithms developed to predict the effect of sequence changes on RNA splicing suggest that this variant may disrupt the consensus splice site. For these reasons, this variant has been classified as Pathogenic.

Literature cited by the submitters: PubMed 24307375; PubMed 32619401; PubMed 32681648.

NM_001206927.2(DNAH8):c.11087_11088insCTTTTTCC (p.Lys3697fs)

Genes: DNAH8 (dynein axonemal heavy chain 8; plus strand), DNAH8-AS1 (DNAH8 antisense RNA 1; minus strand). Cytogenetic location: 6p21.2.
Variant type: Insertion.
Coding change: c.11087_11088insCTTTTTCC on transcript NM_001206927.2 (MANE Select); coding-DNA positions 11087 to 11088, CTTTTTCC inserted.
Protein change: p.Lys3697fs; shifts the reading frame from lysine 3697.
Molecular consequence: frameshift variant.
Genome position: GRCh38 VCF-style: chr6-38926179-T-TCTTTTTCC. GRCh37 (hg19) VCF-style: chr6-38893955-T-TCTTTTTCC.
Other names: c.10436_10437insCTTTTTCC, p.Lys3480fs (NM_001371.4); short protein forms K3480fs, K3697fs.
Identifiers: ClinVar variation 1073246 (VCV001073246.15), dbSNP rs765386646, ClinGen allele CA3790903.
Genomic context (GRCh38, chr6:38,926,179, plus strand): 5'-TGACAAAGGCCACCAGATACCCACTCCTCATAGACCCACAAACTCAAGGCAAAACTTGGA[T>TCTTTTTCC]TAAATCAAAGGAAAAAGAAAATGATTTACAGGTATGTAGCATTTGGTGCAGGGGAAAGTA-3'